The following is an entry in ClinVar:

NM_000535.7(PMS2):c.2250C>A (p.Gly750=)

Gene: PMS2 (PMS1 homolog 2, mismatch repair system component; minus strand). Cytogenetic location: 7p22.1.
Variant type: single nucleotide variant.
Coding change: c.2250C>A on transcript NM_000535.7 (MANE Select); coding-DNA position 2250, C replaced by A.
Protein change: p.Gly750=; no amino-acid change (glycine 750 retained).
Molecular consequence: synonymous variant. On other transcripts: non-coding transcript variant (1).
Genome position (GRCh38, 1-based): chr7:5,978,621, G>T on the plus strand (C>A on the coding strand, the complement: PMS2 is on the minus strand). VCF-style: chr7-5978621-G-T. GRCh37 (hg19) VCF-style: chr7-6018252-G-T.
Other names: c.1845C>A, p.Gly615= (NM_001322003.2, NM_001322004.2, NM_001322005.2 and 1 more transcripts); c.2094C>A, p.Gly698= (NM_001322006.2); c.1932C>A, p.Gly644= (NM_001322007.2, NM_001322008.2); c.1689C>A, p.Gly563= (NM_001322010.2); c.1317C>A, p.Gly439= (NM_001322011.2, NM_001322012.2); c.1677C>A, p.Gly559= (NM_001322013.2); c.2250C>A, p.Gly750= (NM_001322014.2); c.1941C>A, p.Gly647= (NM_001322015.2).
Identifiers: ClinVar variation 1624726 (VCV001624726.11), dbSNP rs1199360335, ClinGen allele CA453642618.

ClinVar aggregate classification (germline): Benign/Likely benign. Review status: criteria provided, multiple submitters, no conflicts (2 of 4 stars). 3 submissions from 3 submitters: Benign (1); Likely benign (2). Last evaluated 2025-02-03.

Conditions:
Hereditary nonpolyposis colorectal neoplasms. Identifiers: MedGen C0009405, MeSH D003123.
Hereditary cancer-predisposing syndrome. Also called: Neoplastic Syndromes, Hereditary; Hereditary neoplastic syndrome; Hereditary Cancer Syndrome; Tumor predisposition. Identifiers: Orphanet 140162, MedGen C0027672, MeSH D009386, MONDO:0015356.
Lynch syndrome 4 (LYNCH4). Also called: Hereditary non-polyposis colorectal cancer, type 4; Colorectal cancer, hereditary nonpolyposis, type 4. Identifiers: Orphanet 144, MedGen C1838333, MONDO:0013699, OMIM 614337. Disease mechanism: loss of function.

Allele frequency attached by ClinVar (database versions not stated): TOPMed below 0.00001; gnomAD 0.00001.
gnomAD v4.1: 1 of 1,602,836 alleles (0.000062%); highest among the groups gnomAD compares: Non-Finnish European, 0.000085%; no homozygotes.

Submissions (3):

Myriad Genetics, Inc.
Classification: Benign for Lynch syndrome 4. Last evaluated: 2025-02-03. Review status: criteria provided, single submitter. Criteria: Myriad Autosomal Dominant, Autosomal Recessive and X-Linked Classification Criteria (2023). Collection method: clinical testing. Allele origin: unknown.
Comment: This variant is considered benign. This variant is a silent/synonymous amino acid change and it is not expected to impact splicing.

Labcorp Genetics (formerly Invitae), Labcorp
Classification: Likely benign for Hereditary nonpolyposis colorectal neoplasms. Last evaluated: 2021-08-28. Review status: criteria provided, single submitter. Criteria: Invitae Variant Classification Sherloc (09022015). Collection method: clinical testing. Allele origin: germline.

Ambry Genetics
Classification: Likely benign for Hereditary cancer-predisposing syndrome. Last evaluated: 2021-02-24. Review status: criteria provided, single submitter. Criteria: Ambry Variant Classification Scheme 2023. Collection method: clinical testing. Allele origin: germline.